The following is an entry in ClinVar:

ClinVar aggregate classification (germline): Likely benign. Review status: criteria provided, multiple submitters, no conflicts (2 of 4 stars). 4 submissions from 4 submitters: Likely benign (4). Last evaluated 2026-03-24.

Conditions:
SKI-related disorder. Also called: SKI-related condition.
Familial thoracic aortic aneurysm and aortic dissection (TAAD). Also called: Thoracic aortic aneurysms and dissections. Identifiers: Orphanet 91387, MedGen C4707243, MONDO:0019625.
Shprintzen-Goldberg syndrome (SGS). Also called: SHPRINTZEN-GOLDBERG CRANIOSYNOSTOSIS SYNDROME; Marfanoid disorder with craniosynostosis type 1; Marfanoid craniosynostosis syndrome; Shprintzen-Goldberg marfanoid syndrome; CRANIOSYNOSTOSIS WITH ARACHNODACTYLY AND ABDOMINAL HERNIAS. Identifiers: Orphanet 2462, MedGen C1321551, MONDO:0008426, OMIM 182212.

Allele frequency attached by ClinVar (database versions not stated): ExAC 0.00001; gnomAD exomes 0.00001 and 0.00006; TOPMed 0.00002.
gnomAD v4.1: 83 of 1,608,602 alleles (0.0052%); highest among the groups gnomAD compares: Non-Finnish European, 0.0066%; no homozygotes.

Submissions (4):

PreventionGenetics, part of Exact Sciences
Classification: Likely benign for SKI-related condition. Last evaluated: 2026-03-24. Review status: criteria provided, single submitter. Criteria: ACMG Guidelines, 2015. Collection method: clinical testing. Allele origin: germline.
Comment: This variant is classified as likely benign based on ACMG/AMP sequence variant interpretation guidelines (Richards et al. 2015 PMID: 25741868, with internal and published modifications).

Labcorp Genetics (formerly Invitae), Labcorp
Classification: Likely benign for Shprintzen-Goldberg syndrome. Last evaluated: 2024-07-27. Review status: criteria provided, single submitter. Criteria: Invitae Variant Classification Sherloc (09022015). Collection method: clinical testing. Allele origin: germline.

GeneDx
Classification: Likely benign. Last evaluated: 2021-02-02. Review status: criteria provided, single submitter. Criteria: GeneDx Variant Classification Process June 2021. Collection method: clinical testing. Allele origin: germline. Affected: yes.

Ambry Genetics
Classification: Likely benign for Familial thoracic aortic aneurysm and aortic dissection. Last evaluated: 2019-09-08. Review status: criteria provided, single submitter. Criteria: Ambry Variant Classification Scheme 2023. Collection method: clinical testing. Allele origin: germline.

NM_003036.4(SKI):c.906C>T (p.Arg302=)

Gene: SKI (SKI proto-oncogene; plus strand). Cytogenetic location: 1p36.33.
Variant type: single nucleotide variant.
Coding change: c.906C>T on transcript NM_003036.4 (MANE Select); coding-DNA position 906, C replaced by T.
Protein change: p.Arg302=; no amino-acid change (arginine 302 retained).
Molecular consequence: synonymous variant.
Genome position (GRCh38, 1-based): chr1:2,229,672, C>T. VCF-style: chr1-2229672-C-T. GRCh37 (hg19) VCF-style: chr1-2161111-C-T.
Identifiers: ClinVar variation 389154 (VCV000389154.16), dbSNP rs772758586, ClinGen allele CA536484.
Genomic context (GRCh38, chr1:2,229,672, plus strand): 5'-GGCCTACATCCTGCTGAGCCAGGATTACACGGGCAAGGAGGAGCAGGCGCGCCTCGGCCG[C>T]TGCCTGGACGACGTGAAGGAGAAATTCGACTATGGCAACAAGTACAAGCGGCGGGTGCCC-3'
Protein context (NP_003027.1, residues 292-312): TGKEEQARLG[Arg302=]CLDDVKEKFD